The following is an entry in ClinVar:

NM_000238.4(KCNH2):c.566G>T (p.Gly189Val)

Gene: KCNH2 (potassium voltage-gated channel subfamily H member 2; minus strand). Cytogenetic location: 7q36.1.
Variant type: single nucleotide variant.
Coding change: c.566G>T on transcript NM_000238.4 (MANE Select); coding-DNA position 566, G replaced by T.
Protein change: p.Gly189Val; replaces glycine 189 with valine.
Molecular consequence: missense variant.
Genome position (GRCh38, 1-based): chr7:150,958,409, C>A on the plus strand (G>T on the coding strand, the complement: KCNH2 is on the minus strand). VCF-style: chr7-150958409-C-A. GRCh37 (hg19) VCF-style: chr7-150655497-C-A.
Other names: c.278G>T, p.Gly93Val (NM_001406753.1, NM_001406756.1); c.389G>T, p.Gly130Val (NM_001406755.1); c.266G>T, p.Gly89Val (NM_001406757.1); c.566G>T, p.Gly189Val (NM_172056.3); short protein forms G189V, G130V, G89V, G93V.
Identifiers: ClinVar variation 637978 (VCV000637978.8), dbSNP rs1584866229, ClinGen allele CA369863291.

ClinVar aggregate classification (germline): Uncertain significance. Review status: criteria provided, multiple submitters, no conflicts (2 of 4 stars). 2 submissions from 2 submitters: Uncertain significance (2). Last evaluated 2025-12-13.

Conditions:
Long QT syndrome (LQTS). Identifiers: MedGen C0023976, MeSH D008133, MONDO:0002442. Disease mechanism: loss of function. Inheritance: Various modes of inheritance.
Long QT syndrome 2 (LQT2). Identifiers: Orphanet 101016, Orphanet 768, MedGen C3150943, MONDO:0013367, OMIM 613688.

gnomAD v4.1: 2 of 1,429,838 alleles (0.00014%); highest among the groups gnomAD compares: African/African-American, 0.0015%; no homozygotes.

Submissions (2):

Labcorp Genetics (formerly Invitae), Labcorp
Classification: Uncertain significance for Long QT syndrome. Last evaluated: 2025-12-13. Review status: criteria provided, single submitter. Criteria: Invitae Variant Classification Sherloc (09022015). Collection method: clinical testing. Allele origin: germline.
Comment: This sequence change replaces glycine, which is neutral and non-polar, with valine, which is neutral and non-polar, at codon 189 of the KCNH2 protein (p.Gly189Val). This variant is not present in population databases (gnomAD no frequency). This variant has not been reported in the literature in individuals affected with KCNH2-related conditions. ClinVar contains an entry for this variant (Variation ID: 637978). An algorithm developed to predict the effect of missense changes on protein structure and function (PolyPhen-2) suggests that this variant is likely to be tolerated. In summary, the available evidence is currently insufficient to determine the role of this variant in disease. Therefore, it has been classified as a Variant of Uncertain Significance.

MVZ Martinsried, Medicover Genetics
Classification: Uncertain significance for Long QT syndrome 2. Last evaluated: 2018-12-04. Review status: criteria provided, single submitter. Criteria: ACMG Guidelines, 2015. Collection method: clinical testing. Allele origin: unknown. Affected: yes.